The following is an entry in ClinVar:

NM_000051.4(ATM):c.8010+1del

Genes: ATM (ATM serine/threonine kinase; plus strand), C11orf65 (chromosome 11 open reading frame 65; minus strand). Cytogenetic location: 11q22.3.
Variant type: Deletion.
Coding change: c.8010+1del on transcript NM_000051.4 (MANE Select); the canonical splice donor site of the intron after coding-DNA position 8010, one base deleted (G; older notation c.8010+1delG).
Molecular consequence: splice donor variant. On other transcripts: intron variant (2).
Genome position (GRCh38, 1-based): chr11:108,333,969, G deleted; the last of 2 consecutive G bases (chr11:108,333,968-108,333,969); deleting either gives the same sequence. VCF-style (leftmost placement, unchanged base first): chr11-108333967-AG-A. GRCh37 (hg19) VCF-style: chr11-108204694-AG-A.
Other names: c.8010+1del (NM_001351834.2); c.641-24897del (NM_001330368.2); c.*38+1252del (NM_001351110.2); c.8010+1delG (NM_000051.3).
Identifiers: ClinVar variation 231769 (VCV000231769.55), dbSNP rs876659350, ClinGen allele CA10579279.

ClinVar aggregate classification (germline): Likely pathogenic. Review status: criteria provided, multiple submitters, no conflicts (2 of 4 stars). 10 submissions from 10 submitters: Likely pathogenic (8). 2 of the submissions do not count toward it. Last evaluated 2025-08-05.

Conditions:
Hereditary cancer-predisposing syndrome. Also called: Neoplastic Syndromes, Hereditary; Hereditary neoplastic syndrome; Tumor predisposition; Hereditary Cancer Syndrome. Identifiers: Orphanet 140162, MedGen C0027672, MeSH D009386, MONDO:0015356.
Familial cancer of breast. Also called: hereditary breast carcinoma; Hereditary breast cancer; BREAST CANCER, FAMILIAL. Identifiers: Orphanet 227535, MedGen C0346153, MONDO:0016419, OMIM 114480. Disease mechanism: loss of function.
Ataxia-telangiectasia syndrome (AT). Also called: Ataxia telangiectasia (A-T); Cerebello-oculocutaneous telangiectasia; Immunodeficiency with ataxia telangiectasia; LOUIS-BAR SYNDROME; AT, COMPLEMENTATION GROUP C; ATAXIA-TELANGIECTASIA, FRESNO VARIANT. Identifiers: Orphanet 100, MedGen C0004135, MONDO:0008840, OMIM 208900.

Submissions (10):

Ambry Genetics
Classification: Likely pathogenic for Hereditary cancer-predisposing syndrome. Last evaluated: 2025-08-05. Review status: criteria provided, single submitter. Criteria: Ambry Variant Classification Scheme 2023. Collection method: clinical testing. Allele origin: germline.
Comment: The c.8010+1delG intronic variant, located in intron 53 of the ATM gene, results from a deletion of one nucleotide within intron 53 of the ATM gene. This variant was detected in 1/1185 Italian individuals with a personal and/or family history of breast and/or ovarian cancer (Toss A et al. Genes (Basel), 2021 Apr;12). This nucleotide position is highly conserved in available vertebrate species. In silico splice site analysis predicts that this alteration will weaken the native splice donor site. RNA studies have demonstrated that this alteration results in abnormal splicing in the set of samples tested (Ambry internal data). This variant is considered to be rare based on population cohorts in the Genome Aggregation Database (gnomAD). Based on the majority of available evidence to date, this variant is likely to be pathogenic.

Fulgent Genetics
Classification: Likely pathogenic for Familial cancer of breast; Ataxia-telangiectasia syndrome. Last evaluated: 2024-03-28. Review status: criteria provided, single submitter. Criteria: ACMG Guidelines, 2015. Collection method: clinical testing. Allele origin: germline.

Color Diagnostics, LLC DBA Color Health
Classification: Likely pathogenic for Hereditary cancer-predisposing syndrome. Last evaluated: 2024-03-11. Review status: criteria provided, single submitter. Criteria: ACMG Guidelines, 2015. Collection method: clinical testing. Allele origin: germline.
Comment: This variant deletes a nucleotide at the +1 position of intron 54 of the ATM gene. Splice site prediction tools predict that this variant may have a significant impact on RNA splicing and is expected to result in an absent or disrupted protein product. This variant has been reported to impact RNA splicing by an external laboratory, however, detailed data are not available for review (ClinVar SCV000275716.7). To our knowledge, this variant has not been reported in individuals affected with hereditary cancer in the literature. This variant has not been identified in the general population by the Genome Aggregation Database (gnomAD). Loss of ATM function is a known mechanism of disease. Based on the available evidence, this variant is classified as Likely Pathogenic.

Myriad Genetics, Inc.
Classification: Likely pathogenic for Familial cancer of breast. Last evaluated: 2024-02-01. Review status: criteria provided, single submitter. Criteria: Myriad Autosomal Dominant, Autosomal Recessive and X-Linked Classification Criteria (2023). Collection method: clinical testing. Allele origin: unknown.
Comment: This variant is considered likely pathogenic. This variant occurs within a consensus splice junction and is predicted to result in abnormal mRNA splicing of either an out-of-frame exon or an in-frame exon necessary for protein stability and/or normal function.

Baylor Genetics
Classification: Likely pathogenic for Familial cancer of breast. Last evaluated: 2023-01-19. Review status: criteria provided, single submitter. Criteria: ACMG Guidelines, 2015. Collection method: clinical testing. Allele origin: unknown.

Labcorp Genetics (formerly Invitae), Labcorp
Classification: Likely pathogenic for Ataxia-telangiectasia syndrome. Last evaluated: 2022-09-27. Review status: criteria provided, single submitter. Criteria: Invitae Variant Classification Sherloc (09022015). Collection method: clinical testing. Allele origin: germline.
Comment: This variant is not present in population databases (gnomAD no frequency). In summary, the currently available evidence indicates that the variant is pathogenic, but additional data are needed to prove that conclusively. Therefore, this variant has been classified as Likely Pathogenic. Algorithms developed to predict the effect of sequence changes on RNA splicing suggest that this variant may disrupt the consensus splice site. ClinVar contains an entry for this variant (Variation ID: 231769). Disruption of this splice site has been observed in individual(s) with breast cancer (PMID: 33919281). This sequence change affects a splice site in intron 54 of the ATM gene. It is expected to disrupt RNA splicing. Variants that disrupt the donor or acceptor splice site typically lead to a loss of protein function (PMID: 16199547), and loss-of-function variants in ATM are known to be pathogenic (PMID: 23807571, 25614872).

Mendelics
Classification: Likely pathogenic for Ataxia-telangiectasia syndrome. Last evaluated: 2019-05-28. Review status: criteria provided, single submitter. Criteria: Mendelics Assertion Criteria 2017. Collection method: clinical testing. Allele origin: unknown.

Genesis Genomics
Classification: Likely pathogenic for Familial cancer of breast. Review status: criteria provided, single submitter. Criteria: ACMG Guidelines, 2015. Collection method: clinical testing. Allele origin: germline. Affected: yes. Observed: 1 variant allele.

BRCAlab, Lund University
Classification: Likely pathogenic for Familial cancer of breast. Last evaluated: 2022-08-26. Review status: no assertion criteria provided. Collection method: clinical testing. Allele origin: germline. Affected: yes. Not counted in ClinVar's aggregate classification.

Natera, Inc.
Classification: Likely pathogenic for Ataxia-telangiectasia. Last evaluated: 2020-12-31. Review status: no assertion criteria provided. Collection method: clinical testing. Allele origin: germline. Not counted in ClinVar's aggregate classification.

Literature cited by the submitters: PubMed 33919281 (cited by Ambry Genetics and Labcorp Genetics (formerly Invitae), Labcorp); PubMed 16199547 (cited by Labcorp Genetics (formerly Invitae), Labcorp); PubMed 23807571 (cited by Labcorp Genetics (formerly Invitae), Labcorp); PubMed 25614872 (cited by Labcorp Genetics (formerly Invitae), Labcorp).